The following is an entry in ClinVar:

NM_000069.3(CACNA1S):c.719A>G (p.Glu240Gly)

Gene: CACNA1S (calcium voltage-gated channel subunit alpha1 S; minus strand). Cytogenetic location: 1q32.1.
Variant type: single nucleotide variant.
Coding change: c.719A>G on transcript NM_000069.3 (MANE Select); coding-DNA position 719, A replaced by G.
Protein change: p.Glu240Gly; replaces glutamic acid 240 with glycine.
Molecular consequence: missense variant.
Genome position (GRCh38, 1-based): chr1:201,089,439, T>C on the plus strand (A>G on the coding strand, the complement: CACNA1S is on the minus strand). VCF-style: chr1-201089439-T-C. GRCh37 (hg19) VCF-style: chr1-201058567-T-C.
Other names: short protein forms E240G.
Identifiers: ClinVar variation 4786671 (VCV004786671.1).

ClinVar aggregate classification (germline): Uncertain significance (1 of 4 stars; one submission).

Conditions:
Malignant hyperthermia, susceptibility to, 5 (MHS5). Also called: CACNA1S-Related Malignant Hyperthermia Susceptibility. Identifiers: Orphanet 423, MedGen C1866077, MONDO:0011163, OMIM 601887.
Hypokalemic periodic paralysis, type 1. Also called: HypoPP; Hypokalemic Periodic Paralysis Type 1 (AD). Identifiers: Orphanet 681, MedGen C3714580, MONDO:0042979, OMIM 170400.

gnomAD v4.1: 2 of 1,614,110 alleles (0.00012%); highest among the groups gnomAD compares: Non-Finnish European, 0.00017%; no homozygotes.

Submission:

Labcorp Genetics (formerly Invitae), Labcorp
Classification: Uncertain significance for Hypokalemic periodic paralysis, type 1; Malignant hyperthermia, susceptibility to, 5. Last evaluated: 2025-09-23. Review status: criteria provided, single submitter. Criteria: Invitae Variant Classification Sherloc (09022015). Collection method: clinical testing. Allele origin: germline.
Comment: This sequence change replaces glutamic acid, which is acidic and polar, with glycine, which is neutral and non-polar, at codon 240 of the CACNA1S protein (p.Glu240Gly). This variant is not present in population databases (gnomAD no frequency). This variant has not been reported in the literature in individuals affected with CACNA1S-related conditions. Invitae Evidence Modeling of protein sequence and biophysical properties (such as structural, functional, and spatial information, amino acid conservation, physicochemical variation, residue mobility, and thermodynamic stability) indicates that this missense variant is not expected to disrupt CACNA1S protein function with a negative predictive value of 95%. In summary, the available evidence is currently insufficient to determine the role of this variant in disease. Therefore, it has been classified as a Variant of Uncertain Significance.